The following is an entry in ClinVar:

ClinVar aggregate classification (germline): Conflicting classifications of pathogenicity. Review status: criteria provided, conflicting classifications (1 of 4 stars). 2 submissions from 2 submitters: Uncertain significance (1); Likely benign (1). Last evaluated 2025-12-11.

Conditions:
Hyper-IgE recurrent infection syndrome 3, autosomal recessive. Also called: HYPER-IgE SYNDROME 3, AUTOSOMAL RECESSIVE, WITH RECURRENT INFECTIONS; Autosomal recessive hyper-IgE syndrome due to ZNF341 deficiency. Identifiers: Orphanet 641368, MedGen C4748969, MONDO:0032654, OMIM 618282.
Inborn genetic diseases. Identifiers: MedGen C0950123, MeSH D030342.

Allele frequency attached by ClinVar (database versions not stated): 1000 Genomes Project 0.00060; 1000 Genomes Project 30x 0.00078; gnomAD 0.00008 and 0.00006; TOPMed 0.00003.
gnomAD v4.1: 26 of 1,614,144 alleles (0.0016%); highest among the groups gnomAD compares: African/African-American, 0.023%; no homozygotes.

Submissions (2):

Ambry Genetics
Classification: Likely benign for Inborn genetic diseases. Last evaluated: 2025-12-11. Review status: criteria provided, single submitter. Criteria: Ambry Variant Classification Scheme 2023. Collection method: clinical testing. Allele origin: germline.

Labcorp Genetics (formerly Invitae), Labcorp
Classification: Uncertain significance for Combined immunodeficiency due to DOCK8 deficiency. Last evaluated: 2022-07-10. Review status: criteria provided, single submitter. Criteria: Invitae Variant Classification Sherloc (09022015). Collection method: clinical testing. Allele origin: germline.
Comment: This sequence change replaces asparagine, which is neutral and polar, with serine, which is neutral and polar, at codon 520 of the DOCK8 protein (p.Asn520Ser). In summary, the available evidence is currently insufficient to determine the role of this variant in disease. Therefore, it has been classified as a Variant of Uncertain Significance. Algorithms developed to predict the effect of missense changes on protein structure and function output the following: SIFT: "Tolerated"; PolyPhen-2: "Benign"; Align-GVGD: "Class C0". The serine amino acid residue is found in multiple mammalian species, which suggests that this missense change does not adversely affect protein function. ClinVar contains an entry for this variant (Variation ID: 580599). This variant has not been reported in the literature in individuals affected with DOCK8-related conditions. This variant is present in population databases (rs190532814, gnomAD 0.03%).

NM_203447.4(DOCK8):c.1559A>G (p.Asn520Ser)

Gene: DOCK8 (dedicator of cytokinesis 8; plus strand). Cytogenetic location: 9p24.3.
Variant type: single nucleotide variant.
Coding change: c.1559A>G on transcript NM_203447.4 (MANE Select); coding-DNA position 1559, A replaced by G.
Protein change: p.Asn520Ser; replaces asparagine 520 with serine.
Molecular consequence: missense variant.
Genome position (GRCh38, 1-based): chr9:340,201, A>G. VCF-style: chr9-340201-A-G. GRCh37 (hg19) VCF-style: chr9-340201-A-G.
Other names: c.1355A>G, p.Asn452Ser (NM_001190458.2, NM_001193536.2); short protein forms N520S, N452S.
Identifiers: ClinVar variation 580599 (VCV000580599.8), dbSNP rs190532814, ClinGen allele CA4957787.
Genomic context (GRCh38, chr9:340,201, plus strand): 5'-CCTATTTTCTCTCTTTAGGCTTGCTAAGACTGGAGATTTCTACAGCTCCAGAGATCATCA[A>G]TTGCTGTCTGACTCCTGAAATGCTGCCCGTGAAACCCTTTCCTGAAAACCGGACACGCCC-3'
Protein context (NP_982272.2, residues 510-530): LEISTAPEII[Asn520Ser]CCLTPEMLPV